The following is an entry in ClinVar:

ClinVar aggregate classification (germline): Uncertain significance. Review status: criteria provided, single submitter (1 of 4 stars). 2 submissions from 2 submitters: Uncertain significance (1). 1 of the submissions does not count toward it. Last evaluated 2023-06-09.

Conditions:
KIDINS220-related disorder. Also called: KIDINS220-related condition.

gnomAD v4.1: 16 of 1,614,072 alleles (0.00099%); highest among the groups gnomAD compares: Non-Finnish European, 0.0014%; no homozygotes.

Submissions (2):

Labcorp Genetics (formerly Invitae), Labcorp
Classification: Uncertain significance. Last evaluated: 2023-06-09. Review status: criteria provided, single submitter. Criteria: Invitae Variant Classification Sherloc (09022015). Collection method: clinical testing. Allele origin: germline.
Comment: In summary, the available evidence is currently insufficient to determine the role of this variant in disease. Therefore, it has been classified as a Variant of Uncertain Significance. An algorithm developed to predict the effect of missense changes on protein structure and function (PolyPhen-2) suggests that this variant is likely to be tolerated. This variant has not been reported in the literature in individuals affected with KIDINS220-related conditions. This variant is present in population databases (rs376497503, gnomAD 0.005%). This sequence change replaces isoleucine, which is neutral and non-polar, with phenylalanine, which is neutral and non-polar, at codon 1639 of the KIDINS220 protein (p.Ile1639Phe).

PreventionGenetics, part of Exact Sciences
Classification: Uncertain significance for KIDINS220-related condition. Last evaluated: 2024-07-09. Review status: no assertion criteria provided. Collection method: clinical testing. Allele origin: germline. Not counted in ClinVar's aggregate classification.
Comment: The KIDINS220 c.4915A>T variant is predicted to result in the amino acid substitution p.Ile1639Phe. To our knowledge, this variant has not been reported in the literature. This variant is reported in 0.0047% of alleles in individuals of European (Non-Finnish) descent in gnomAD. At this time, the clinical significance of this variant is uncertain due to the absence of conclusive functional and genetic evidence.

NM_020738.4(KIDINS220):c.4915A>T (p.Ile1639Phe)

Gene: KIDINS220 (kinase D interacting substrate 220; minus strand). Cytogenetic location: 2p25.1.
Variant type: single nucleotide variant.
Coding change: c.4915A>T on transcript NM_020738.4 (MANE Select); coding-DNA position 4915, A replaced by T.
Protein change: p.Ile1639Phe; replaces isoleucine 1639 with phenylalanine.
Molecular consequence: missense variant. On other transcripts: intron variant (6).
Genome position (GRCh38, 1-based): chr2:8,731,121, T>A on the plus strand (A>T on the coding strand, the complement: KIDINS220 is on the minus strand). VCF-style: chr2-8731121-T-A. GRCh37 (hg19) VCF-style: chr2-8871251-T-A.
Other names: c.4915A>T (NM_020738.2); c.4861A>T, p.Ile1621Phe (NM_001348731.2); c.4858A>T, p.Ile1620Phe (NM_001348732.2); c.4747A>T, p.Ile1583Phe (NM_001348734.2); c.4744A>T, p.Ile1582Phe (NM_001348735.2); c.4618A>T, p.Ile1540Phe (NM_001348736.2); c.3882+2323A>T (NM_001348741.2, NM_001348742.2, NM_001348743.2); c.3996+2323A>T (NM_001348738.2); and 2 more; short protein forms I1540F, I1621F, I1640F, I1582F, I1583F, I1620F, I1639F.
Identifiers: ClinVar variation 2955050 (VCV002955050.4), dbSNP rs376497503, ClinGen allele CA1519284.